The following is an entry in ClinVar:

ClinVar aggregate classification (germline): Uncertain significance (1 of 4 stars; one submission).

Conditions:
Hereditary spastic paraplegia 39 (SPG39). Also called: Spastic Paraplegia Type 39 (SPG39); SPASTIC PARAPLEGIA 39, AUTOSOMAL RECESSIVE. Identifiers: Orphanet 139480, MedGen C2677586, MONDO:0012787, OMIM 612020.

Allele frequency attached by ClinVar (database versions not stated): gnomAD exomes below 0.00001.
gnomAD v4.1: 1 of 1,613,092 alleles (0.000062%); highest among the groups gnomAD compares: East Asian, 0.0022%; no homozygotes.

Submission:

Labcorp Genetics (formerly Invitae), Labcorp
Classification: Uncertain significance for Hereditary spastic paraplegia 39. Last evaluated: 2021-08-27. Review status: criteria provided, single submitter. Criteria: Invitae Variant Classification Sherloc (09022015). Collection method: clinical testing. Allele origin: germline.
Comment: This sequence change replaces glutamic acid with glycine at codon 437 of the PNPLA6 protein (p.Glu437Gly). The glutamic acid residue is moderately conserved and there is a moderate physicochemical difference between glutamic acid and glycine. This variant is not present in population databases (ExAC no frequency). This variant has not been reported in the literature in individuals affected with PNPLA6-related conditions. Algorithms developed to predict the effect of missense changes on protein structure and function are either unavailable or do not agree on the potential impact of this missense change (SIFT: "Tolerated"; PolyPhen-2: "Possibly Damaging"; Align-GVGD: "Class C0"). In summary, the available evidence is currently insufficient to determine the role of this variant in disease. Therefore, it has been classified as a Variant of Uncertain Significance.

NM_001166114.2(PNPLA6):c.1427A>G (p.Glu476Gly)

Gene: PNPLA6 (patatin like domain 6, lysophospholipase; plus strand). Cytogenetic location: 19p13.2.
Variant type: single nucleotide variant.
Coding change: c.1427A>G on transcript NM_001166114.2 (MANE Select); coding-DNA position 1427, A replaced by G.
Protein change: p.Glu476Gly; replaces glutamic acid 476 with glycine.
Molecular consequence: missense variant.
Genome position (GRCh38, 1-based): chr19:7,542,825, A>G. VCF-style: chr19-7542825-A-G. GRCh37 (hg19) VCF-style: chr19-7607711-A-G.
Other names: c.1454A>G, p.Glu485Gly (NM_001166111.2); c.1310A>G, p.Glu437Gly (NM_001166112.2, NM_001166113.1, NM_006702.5); short protein forms E437G, E476G, E485G.
Identifiers: ClinVar variation 1412381 (VCV001412381.5), dbSNP rs1242705662, ClinGen allele CA403113235.
Genomic context (GRCh38, chr19:7,542,825, plus strand): 5'-CCACTCAGGAGCCTCGTGAGCAGCCGGCAGGCGCCTGTGAATACAGCTACTGTGAGGATG[A>G]GTCGGCCACTGGTGGCTGCCCTTTCGGGCCCTACCAGGGCCGCCAGACCAGCAGCATCTT-3'
Protein context (NP_001159586.1, residues 466-486): GACEYSYCED[Glu476Gly]SATGGCPFGP